The following is an entry in ClinVar:

ClinVar aggregate classification (germline): Uncertain significance. Review status: criteria provided, multiple submitters, no conflicts (2 of 4 stars). 2 submissions from 2 submitters: Uncertain significance (2). Last evaluated 2025-09-23.

Conditions:
Lethal multiple pterygium syndrome (LMPS). Identifiers: Orphanet 33108, MedGen C1854678, MONDO:0009668, OMIM 253290.

Submissions (2):

Labcorp Genetics (formerly Invitae), Labcorp
Classification: Uncertain significance for Lethal multiple pterygium syndrome. Last evaluated: 2025-09-23. Review status: criteria provided, single submitter. Criteria: Invitae Variant Classification Sherloc (09022015). Collection method: clinical testing. Allele origin: germline.
Comment: This sequence change replaces proline, which is neutral and non-polar, with threonine, which is neutral and polar, at codon 140 of the CHRNA1 protein (p.Pro140Thr). This variant is not present in population databases (gnomAD no frequency). This variant has not been reported in the literature in individuals affected with CHRNA1-related conditions. ClinVar contains an entry for this variant (Variation ID: 3895615). Invitae Evidence Modeling of protein sequence and biophysical properties (such as structural, functional, and spatial information, amino acid conservation, physicochemical variation, residue mobility, and thermodynamic stability) indicates that this missense variant is not expected to disrupt CHRNA1 protein function with a negative predictive value of 80%. In summary, the available evidence is currently insufficient to determine the role of this variant in disease. Therefore, it has been classified as a Variant of Uncertain Significance.

Women's Health and Genetics/Laboratory Corporation of America, LabCorp
Classification: Uncertain significance. Last evaluated: 2025-03-17. Review status: criteria provided, single submitter. Criteria: LabCorp Variant Classification Summary - May 2015. Collection method: clinical testing. Allele origin: germline.
Comment: Variant summary: CHRNA1 c.418C>A (p.Pro140Thr) results in a non-conservative amino acid change in the encoded protein sequence. Five of five in-silico tools predict a damaging effect of the variant on protein function. The variant was absent in 251310 control chromosomes. The available data on variant occurrences in the general population are insufficient to allow any conclusion about variant significance. To our knowledge, no occurrence of c.418C>A in individuals affected with Myasthenic Syndrome, Slow-Channel Congenital and no experimental evidence demonstrating its impact on protein function have been reported. No submitters have cited clinical-significance assessments for this variant to ClinVar. Based on the evidence outlined above, the variant was classified as uncertain significance.

NM_000079.4(CHRNA1):c.418C>A (p.Pro140Thr)

Gene: CHRNA1 (cholinergic receptor nicotinic alpha 1 subunit; minus strand). Cytogenetic location: 2q31.1.
Variant type: single nucleotide variant.
Coding change: c.418C>A on transcript NM_000079.4 (MANE Select); coding-DNA position 418, C replaced by A.
Protein change: p.Pro140Thr; replaces proline 140 with threonine.
Molecular consequence: missense variant.
Genome position (GRCh38, 1-based): chr2:174,754,341, G>T on the plus strand (C>A on the coding strand, the complement: CHRNA1 is on the minus strand). VCF-style: chr2-174754341-G-T. GRCh37 (hg19) VCF-style: chr2-175619069-G-T.
Other names: c.493C>A, p.Pro165Thr (NM_001039523.3); short protein forms P140T, P165T.
Identifiers: ClinVar variation 3895615 (VCV003895615.2).